The following is an entry in ClinVar:

NM_000426.4(LAMA2):c.6191del (p.Gly2064fs)

Genes: LAMA2 (laminin subunit alpha 2; plus strand), LOC123864065 (Sharpr-MPRA regulatory region 661; plus strand). Cytogenetic location: 6q22.33.
Variant type: Deletion.
Coding change: c.6191del on transcript NM_000426.4 (MANE Select); coding-DNA position 6191, one base deleted (G; older notation c.6191delG).
Protein change: p.Gly2064fs; shifts the reading frame from glycine 2064.
Molecular consequence: frameshift variant.
Genome position (GRCh38, 1-based): chr6:129,440,921, G deleted; the last of 2 consecutive G bases (chr6:129,440,920-129,440,921); deleting either gives the same sequence. VCF-style (leftmost placement, unchanged base first): chr6-129440919-TG-T. GRCh37 (hg19) VCF-style: chr6-129762064-TG-T.
Other names: c.6191del, p.Gly2064fs (NM_001079823.2); short protein forms G2064fs.
Identifiers: ClinVar variation 1350999 (VCV001350999.6), dbSNP rs2114765686, ClinGen allele CA2573140481.

ClinVar aggregate classification (germline): Pathogenic (1 of 4 stars; one submission).

Conditions:
LAMA2-related muscular dystrophy (LAMA2-RD). Also called: Laminin alpha 2-related dystrophy. Identifiers: MedGen C5679788, MONDO:0100228.

Submission:

Labcorp Genetics (formerly Invitae), Labcorp
Classification: Pathogenic for LAMA2-related muscular dystrophy. Last evaluated: 2021-06-19. Review status: criteria provided, single submitter. Criteria: Invitae Variant Classification Sherloc (09022015). Collection method: clinical testing. Allele origin: germline.
Comment: For these reasons, this variant has been classified as Pathogenic. This variant has not been reported in the literature in individuals with LAMA2-related conditions. This variant is not present in population databases (ExAC no frequency). This sequence change creates a premature translational stop signal (p.Gly2064Alafs*2) in the LAMA2 gene. It is expected to result in an absent or disrupted protein product. Loss-of-function variants in LAMA2 are known to be pathogenic (PMID: 18700894).

Literature cited by the submitters: PubMed 18700894.